The following is an entry in ClinVar:

NM_018699.4(PRDM5):c.753G>T (p.Gln251His)

Gene: PRDM5 (PR/SET domain 5; minus strand). Cytogenetic location: 4q27.
Variant type: single nucleotide variant.
Coding change: c.753G>T on transcript NM_018699.4 (MANE Select); coding-DNA position 753, G replaced by T.
Protein change: p.Gln251His; replaces glutamine 251 with histidine.
Molecular consequence: missense variant.
Genome position (GRCh38, 1-based): chr4:120,816,565, C>A on the plus strand (G>T on the coding strand, the complement: PRDM5 is on the minus strand). VCF-style: chr4-120816565-C-A. GRCh37 (hg19) VCF-style: chr4-121737720-C-A.
Other names: c.660G>T, p.Gln220His (NM_001300823.2, NM_001300824.2, NM_001379106.1); c.753G>T, p.Gln251His (NM_001379104.1); short protein forms Q220H, Q251H.
Identifiers: ClinVar variation 3573718 (VCV003573718.8).

ClinVar aggregate classification (germline): Uncertain significance. Review status: criteria provided, multiple submitters, no conflicts (2 of 4 stars). 2 submissions from 2 submitters: Uncertain significance (2). Last evaluated 2025-03-01.

gnomAD v4.1: 6 of 1,614,078 alleles (0.00037%); highest among the groups gnomAD compares: Non-Finnish European, 0.00051%; no homozygotes.

Submissions (2):

CeGaT Center for Human Genetics Tuebingen
Classification: Uncertain significance. Last evaluated: 2025-03-01. Review status: criteria provided, single submitter. Criteria: CeGaT Center For Human Genetics Tuebingen Variant Classification Criteria Version 2. Collection method: clinical testing. Allele origin: germline. Affected: yes. Observed: 1 variant allele.
Comment: PRDM5: PM2

GeneDx
Classification: Uncertain significance. Last evaluated: 2024-07-14. Review status: criteria provided, single submitter. Criteria: GeneDx Variant Classification Process June 2021. Collection method: clinical testing. Allele origin: germline. Affected: yes.
Comment: Not observed at significant frequency in large population cohorts (gnomAD); In silico analysis indicates that this missense variant does not alter protein structure/function; Has not been previously published as pathogenic or benign to our knowledge